The following is an entry in ClinVar:

NM_001854.4(COL11A1):c.679G>C (p.Gly227Arg)

Gene: COL11A1 (collagen type XI alpha 1 chain; minus strand). Cytogenetic location: 1p21.1.
Variant type: single nucleotide variant.
Coding change: c.679G>C on transcript NM_001854.4 (MANE Select); coding-DNA position 679, G replaced by C.
Protein change: p.Gly227Arg; replaces glycine 227 with arginine.
Molecular consequence: missense variant. On other transcripts: non-coding transcript variant (1).
Genome position (GRCh38, 1-based): chr1:103,031,217, C>G on the plus strand (G>C on the coding strand, the complement: COL11A1 is on the minus strand). VCF-style: chr1-103031217-C-G. GRCh37 (hg19) VCF-style: chr1-103496773-C-G.
Other names: c.679G>C, p.Gly227Arg (NM_001190709.2, NM_080629.3, NM_080630.4); short protein forms G227R.
Identifiers: ClinVar variation 3633584 (VCV003633584.2).

ClinVar aggregate classification (germline): Uncertain significance (1 of 4 stars; one submission).

Submission:

Labcorp Genetics (formerly Invitae), Labcorp
Classification: Uncertain significance. Last evaluated: 2025-05-26. Review status: criteria provided, single submitter. Criteria: Invitae Variant Classification Sherloc (09022015). Collection method: clinical testing. Allele origin: germline.
Comment: This sequence change replaces glycine, which is neutral and non-polar, with arginine, which is basic and polar, at codon 227 of the COL11A1 protein (p.Gly227Arg). This variant is not present in population databases (gnomAD no frequency). This variant has not been reported in the literature in individuals affected with COL11A1-related conditions. ClinVar contains an entry for this variant (Variation ID: 3633584). Invitae Evidence Modeling of protein sequence and biophysical properties (such as structural, functional, and spatial information, amino acid conservation, physicochemical variation, residue mobility, and thermodynamic stability) indicates that this missense variant is not expected to disrupt COL11A1 protein function with a negative predictive value of 95%. In summary, the available evidence is currently insufficient to determine the role of this variant in disease. Therefore, it has been classified as a Variant of Uncertain Significance.